The following is an entry in ClinVar:

NM_001130438.3(SPTAN1):c.1807-7T>G

Gene: SPTAN1 (spectrin alpha, non-erythrocytic 1; plus strand). Cytogenetic location: 9q34.11.
Variant type: single nucleotide variant.
Coding change: c.1807-7T>G on transcript NM_001130438.3 (MANE Select); 7 bases into the intron before coding-DNA position 1807, T replaced by G.
Molecular consequence: intron variant.
Genome position (GRCh38, 1-based): chr9:128,583,070, T>G. VCF-style: chr9-128583070-T-G. GRCh37 (hg19) VCF-style: chr9-131345349-T-G.
Other names: c.1807-7T>G (NM_001363759.2, NM_003127.4, NM_001363765.2 and 1 more transcripts).
Identifiers: ClinVar variation 517855 (VCV000517855.1), dbSNP rs1554745600, ClinGen allele CA658797282.

ClinVar aggregate classification (germline): Likely benign (1 of 4 stars; one submission).

Submission:

GeneDx
Classification: Likely benign. Last evaluated: 2017-04-12. Review status: criteria provided, single submitter. Criteria: GeneDx Variant Classification (06012015). Collection method: clinical testing. Allele origin: germline. Affected: yes.
Comment: This variant is considered likely benign or benign based on one or more of the following criteria: it is a conservative change, it occurs at a poorly conserved position in the protein, it is predicted to be benign by multiple in silico algorithms, and/or has population frequency not consistent with disease.